The following is an entry in ClinVar:

ClinVar aggregate classification (germline): Conflicting classifications of pathogenicity. Review status: criteria provided, conflicting classifications (1 of 4 stars). 12 submissions from 12 submitters: Uncertain significance (7); Likely benign (2). 3 of the submissions do not count toward it. Last evaluated 2025-11-11.

Conditions:
BRCA2-related disorder. Also called: BRCA2-related condition; BRCA2-related disorders. Identifiers: MedGen CN239275.
Hereditary cancer-predisposing syndrome. Also called: Tumor predisposition; Neoplastic Syndromes, Hereditary; Hereditary neoplastic syndrome; Hereditary Cancer Syndrome. Identifiers: Orphanet 140162, MedGen C0027672, MeSH D009386, MONDO:0015356.
Hereditary breast ovarian cancer syndrome. Also called: Hereditary breast and ovarian cancer; Hereditary breast and ovarian cancer syndrome (HBOC); Hereditary breast and/or ovarian cancer syndrome; Breast and ovarian cancer; Hereditary breast and ovarian cancer syndrome; BRCA1- and BRCA2-Associated Hereditary Breast and Ovarian Cancer. Identifiers: Orphanet 145, MedGen C0677776, MeSH D061325, MONDO:0003582. Disease mechanism: loss of function.
Breast-ovarian cancer, familial, susceptibility to, 2 (BROVCA2). Also called: BRCA2 Hereditary Breast and Ovarian Cancer. Identifiers: Orphanet 145, MedGen C2675520, MONDO:0012933, OMIM 612555. Disease mechanism: loss of function.
Familial cancer of breast. Also called: Hereditary breast cancer; BREAST CANCER, FAMILIAL; hereditary breast carcinoma. Identifiers: Orphanet 227535, MedGen C0346153, MONDO:0016419, OMIM 114480. Disease mechanism: loss of function.

Allele frequency attached by ClinVar (database versions not stated): gnomAD exomes below 0.00001 and 0.00003; gnomAD 0.00002; TOPMed 0.00002.
gnomAD v4.1: 42 of 1,613,416 alleles (0.0026%); highest among the groups gnomAD compares: Non-Finnish European, 0.0035%; no homozygotes.

Submissions (12):

Labcorp Genetics (formerly Invitae), Labcorp
Classification: Uncertain significance for Hereditary breast ovarian cancer syndrome. Last evaluated: 2025-11-11. Review status: criteria provided, single submitter. Criteria: Invitae Variant Classification Sherloc (09022015). Collection method: clinical testing. Allele origin: germline.
Comment: This sequence change replaces histidine, which is basic and polar, with arginine, which is basic and polar, at codon 2548 of the BRCA2 protein (p.His2548Arg). This variant is present in population databases (rs80358992, gnomAD 0.0009%). This missense change has been observed in individual(s) with clinical features of BRCA2-related conditions (PMID: 10923033). ClinVar contains an entry for this variant (Variation ID: 38112). Invitae Evidence Modeling of protein sequence and biophysical properties (such as structural, functional, and spatial information, amino acid conservation, physicochemical variation, residue mobility, and thermodynamic stability) indicates that this missense variant is not expected to disrupt BRCA2 protein function with a negative predictive value of 95%. In summary, the available evidence is currently insufficient to determine the role of this variant in disease. Therefore, it has been classified as a Variant of Uncertain Significance.

Quest Diagnostics Nichols Institute San Juan Capistrano
Classification: Uncertain significance. Last evaluated: 2025-10-27. Review status: criteria provided, single submitter. Criteria: Quest Diagnostics criteria. Collection method: clinical testing. Allele origin: unknown.
Comment: The BRCA2 c.7643A>G (p.His2548Arg) variant has been reported in the published literature in an individual with a family history of hereditary breast and/or ovarian cancer (PMID: 19043619 (2008)). In a large scale breast cancer association study, this variant has been observed in a breast cancer case and reportedly unaffected individuals (PMID: 33471991 (2021), see also LOVD). Functional studies demonstrated that this variant had a benign effect on protein function, however additional studies are needed to determine the global effect of this variant on protein function (PMID: 39779848 (2025), 39779857 (2025)). The frequency of this variant in the general population (Genome Aggregation Database) is uninformative in the assessment of its pathogenicity. Analysis of this variant using bioinformatics tools for the prediction of the effect of amino acid changes on protein structure and function yielded conflicting predictions that this variant is benign or damaging. Based on the available information, we are unable to determine the clinical significance of this variant.

Color Diagnostics, LLC DBA Color Health
Classification: Uncertain significance for Hereditary cancer-predisposing syndrome. Last evaluated: 2025-06-17. Review status: criteria provided, single submitter. Criteria: ACMG Guidelines, 2015. Collection method: clinical testing. Allele origin: germline.
Comment: This missense variant replaces histidine with arginine at codon 2548 of the BRCA2 protein. Computational prediction is inconclusive regarding the impact of this variant on protein structure and function. To our knowledge, functional studies have not been reported for this variant. This variant has been reported in a breast cancer case-control meta-analysis in 1/60465 cases and 3/53458 unaffected individuals (PMID: 33471991Leiden Open Variation Database DB-ID BRCA2_003368). This variant has been identified in 1/251018 chromosomes in the general population by the Genome Aggregation Database (gnomAD). The available evidence is insufficient to determine the role of this variant in disease conclusively. Therefore, this variant is classified as a Variant of Uncertain Significance.

Molecular Pathology, Peter Maccallum Cancer Centre
Classification: Likely benign for Breast-ovarian cancer, familial, susceptibility to, 2. Last evaluated: 2025-05-19. Review status: criteria provided, single submitter. Criteria: ACMG Guidelines, 2015. Collection method: clinical testing. Allele origin: germline. Inheritance: Autosomal dominant inheritance.

Women's Health and Genetics/Laboratory Corporation of America, LabCorp
Classification: Uncertain significance. Last evaluated: 2024-05-13. Review status: criteria provided, single submitter. Criteria: LabCorp Variant Classification Summary - May 2015. Collection method: clinical testing. Allele origin: germline.
Comment: Variant summary: BRCA2 c.7643A>G (p.His2548Arg) results in a non-conservative amino acid change located in the helical domain (IPR015252) of the encoded protein sequence. Three of five in-silico tools predict a damaging effect of the variant on protein function. The variant allele was found at a frequency of 4e-06 in 251018 control chromosomes. The available data on variant occurrences in the general population are insufficient to allow any conclusion about variant significance. To our knowledge, no occurrence of c.7643A>G in individuals affected with Hereditary Breast And Ovarian Cancer Syndrome and no experimental evidence demonstrating its impact on protein function have been reported. The following publications have been ascertained in the context of this evaluation (PMID: 19043619, 25348012). ClinVar contains an entry for this variant (Variation ID: 38112). Based on the evidence outlined above, the variant was classified as uncertain significance.

Baylor Genetics
Classification: Uncertain significance for Familial cancer of breast. Last evaluated: 2023-12-22. Review status: criteria provided, single submitter. Criteria: ACMG Guidelines, 2015. Collection method: clinical testing. Allele origin: unknown.

All of Us Research Program, National Institutes of Health
Classification: Uncertain significance for Breast-ovarian cancer, familial, susceptibility to, 2. Last evaluated: 2023-11-20. Review status: criteria provided, single submitter. Criteria: ACMG Guidelines, 2015. Collection method: clinical testing. Allele origin: germline. Inheritance: Autosomal dominant inheritance. Observed: 4 variant alleles, 4 heterozygotes.
Comment: This missense variant replaces histidine with arginine at codon 2548 of the BRCA2 protein. Computational prediction is inconclusive regarding the impact of this variant on protein structure and function (internally defined REVEL score threshold 0.5 < inconclusive < 0.7, PMID: 27666373). To our knowledge, functional studies have not been reported for this variant. This variant has been reported in a breast cancer case-control meta-analysis in 1/60465 cases and 3/53458 unaffected individuals (PMID: 33471991; Leiden Open Variation Database DB-ID BRCA2_003368). This variant has been identified in 1/251018 chromosomes in the general population by the Genome Aggregation Database (gnomAD). The available evidence is insufficient to determine the role of this variant in disease conclusively. Therefore, this variant is classified as a Variant of Uncertain Significance.

This study involves interpretation of variants in research participants for the purpose of population health screening. Participant phenotype was not available at the time of variant classification. Additional details can be found in publication PMID: 35346344, PMCID: PMC8962531

GeneDx
Classification: Uncertain significance. Last evaluated: 2023-10-19. Review status: criteria provided, single submitter. Criteria: GeneDx Variant Classification Process June 2021. Collection method: clinical testing. Allele origin: germline. Affected: yes.
Comment: In silico analysis supports that this missense variant does not alter protein structure/function; Not observed at significant frequency in large population cohorts (gnomAD); Observed in breast cancer patients but also in unaffected controls (Dorling et al., 2021); Also known as 7871A>G; This variant is associated with the following publications: (PMID: 19043619, 25348012, 10923033, 32377563, 12228710, 29884841, 31131967, 33471991, 29881398)

Ambry Genetics
Classification: Likely benign for Hereditary cancer-predisposing syndrome. Last evaluated: 2021-11-09. Review status: criteria provided, single submitter. Criteria: Ambry Variant Classification Scheme 2023. Collection method: clinical testing. Allele origin: germline.

PreventionGenetics, part of Exact Sciences
Classification: Uncertain significance for BRCA2-related condition. Last evaluated: 2024-09-18. Review status: no assertion criteria provided. Collection method: clinical testing. Allele origin: germline. Not counted in ClinVar's aggregate classification.
Comment: The BRCA2 c.7643A>G variant is predicted to result in the amino acid substitution p.His2548Arg. This variant has been reported in an individual with breast cancer but was also detected in three non-cancer controls in a large breast cancer case-control study (Supplemental Data, Breast Cancer Association Consortium et al. 2021. PubMed ID: 33471991). This variant is reported in 0.00088% of alleles in individuals of European (non-Finnish) descent in gnomAD and is interpreted as uncertain in ClinVar. At this time, the clinical significance of this variant is uncertain due to the absence of conclusive functional and genetic evidence.

Sharing Clinical Reports Project (SCRP)
Classification: Uncertain significance for Breast-ovarian cancer, familial 2. Last evaluated: 2007-03-06. Review status: no assertion criteria provided. Collection method: clinical testing. Allele origin: germline. Not counted in ClinVar's aggregate classification.

Breast Cancer Information Core (BIC) (BRCA2)
Classification: Uncertain significance for Breast-ovarian cancer, familial 2. Last evaluated: 2004-02-20. Review status: no assertion criteria provided. Collection method: clinical testing. Allele origin: germline. Affected: yes. Observed: 1 variant allele. Not counted in ClinVar's aggregate classification.

Literature cited by the submitters: PubMed 10923033 (cited by Labcorp Genetics (formerly Invitae), Labcorp); PubMed 39779848 (cited by Quest Diagnostics Nichols Institute San Juan Capistrano); PubMed 31131967 (cited by Quest Diagnostics Nichols Institute San Juan Capistrano); PubMed 39779857 (cited by Quest Diagnostics Nichols Institute San Juan Capistrano); PubMed 33471991 (cited by 3 submitters); PubMed 19043619 (cited by 3 submitters); PubMed 29884841 (cited by Quest Diagnostics Nichols Institute San Juan Capistrano and Ambry Genetics); PubMed 25348012 (cited by Women's Health and Genetics/Laboratory Corporation of America, LabCorp); PubMed 29881398 (cited by Ambry Genetics).

NM_000059.4(BRCA2):c.7643A>G (p.His2548Arg)

Gene: BRCA2 (BRCA2 DNA repair associated; plus strand). Cytogenetic location: 13q13.1.
Variant type: single nucleotide variant.
Coding change: c.7643A>G on transcript NM_000059.4 (MANE Select); coding-DNA position 7643, A replaced by G.
Protein change: p.His2548Arg; replaces histidine 2548 with arginine.
Molecular consequence: missense variant.
Genome position (GRCh38, 1-based): chr13:32,357,767, A>G. VCF-style: chr13-32357767-A-G. GRCh37 (hg19) VCF-style: chr13-32931904-A-G.
Other names: short protein forms H2548R.
Identifiers: ClinVar variation 38112 (VCV000038112.29), dbSNP rs80358992, ClinGen allele CA025208.